The following is an entry in ClinVar:

ClinVar aggregate classification (germline): Conflicting classifications of pathogenicity. Review status: criteria provided, conflicting classifications (1 of 4 stars). 3 submissions from 3 submitters: Uncertain significance (2); Benign (1). Last evaluated 2026-06-02.

Conditions:
Cardiovascular phenotype. Identifiers: MedGen CN230736.
ZNF469-related disorder. Also called: ZNF469-related condition.

Allele frequency attached by ClinVar (database versions not stated): gnomAD exomes 0.00001; ExAC 0.00006; gnomAD 0.00014; TOPMed 0.00017.
gnomAD v4.1: 34 of 1,549,154 alleles (0.0022%); highest among the groups gnomAD compares: African/African-American, 0.042%; no homozygotes.

Submissions (3):

PreventionGenetics, part of Exact Sciences
Classification: Uncertain significance for ZNF469-related condition. Last evaluated: 2026-06-02. Review status: criteria provided, single submitter. Criteria: ACMG Guidelines, 2015. Collection method: clinical testing. Allele origin: germline.
Comment: The ZNF469 c.10444C>T variant is predicted to result in the amino acid substitution p.His3482Tyr. To our knowledge, this variant has not been reported in the literature. This variant is reported in 0.042% of alleles in individuals of African descent in gnomAD. At this time, the clinical significance of this variant is uncertain due to the absence of conclusive functional and genetic evidence.

Labcorp Genetics (formerly Invitae), Labcorp
Classification: Uncertain significance. Last evaluated: 2026-01-21. Review status: criteria provided, single submitter. Criteria: Invitae Variant Classification Sherloc (09022015). Collection method: clinical testing. Allele origin: germline.
Comment: This sequence change replaces histidine, which is basic and polar, with tyrosine, which is neutral and polar, at codon 3482 of the ZNF469 protein (p.His3482Tyr). This variant is present in population databases (rs761550303, gnomAD 0.04%). This variant has not been reported in the literature in individuals affected with ZNF469-related conditions. ClinVar contains an entry for this variant (Variation ID: 1774859). An algorithm developed to predict the effect of missense changes on protein structure and function (PolyPhen-2) suggests that this variant is likely to be tolerated. In summary, the available evidence is currently insufficient to determine the role of this variant in disease. Therefore, it has been classified as a Variant of Uncertain Significance.

Ambry Genetics
Classification: Benign for Cardiovascular phenotype. Last evaluated: 2025-05-30. Review status: criteria provided, single submitter. Criteria: Ambry Variant Classification Scheme 2023. Collection method: clinical testing. Allele origin: germline.

NM_001367624.2(ZNF469):c.10528C>T (p.His3510Tyr)

Gene: ZNF469 (zinc finger protein 469; plus strand). Cytogenetic location: 16q24.2.
Variant type: single nucleotide variant.
Coding change: c.10528C>T on transcript NM_001367624.2 (MANE Select); coding-DNA position 10528, C replaced by T.
Protein change: p.His3510Tyr; replaces histidine 3510 with tyrosine.
Molecular consequence: missense variant.
Genome position (GRCh38, 1-based): chr16:88,437,998, C>T. VCF-style: chr16-88437998-C-T. GRCh37 (hg19) VCF-style: chr16-88504406-C-T.
Other names: NM_001127464.1:c.10444C>T; NM_001127464.2:c.10444C>T; short protein forms H3510Y.
Identifiers: ClinVar variation 1774859 (VCV001774859.7), dbSNP rs761550303, ClinGen allele CA8225523.